The following is an entry in ClinVar:

ClinVar aggregate classification (germline): Likely benign (1 of 4 stars; one submission).

gnomAD v4.1: 8 of 1,613,942 alleles (0.0005%); highest among the groups gnomAD compares: South Asian, 0.0011%; no homozygotes.

Submission:

CeGaT Center for Human Genetics Tuebingen
Classification: Likely benign. Last evaluated: 2023-01-01. Review status: criteria provided, single submitter. Criteria: CeGaT Center For Human Genetics Tuebingen Variant Classification Criteria Version 2. Collection method: clinical testing. Allele origin: germline. Affected: yes. Observed: 1 variant allele.
Comment: DNAH17: PM2:Supporting, BP4, BP7

NM_173628.4(DNAH17):c.7398G>A (p.Gly2466=)

Genes: DNAH17 (dynein axonemal heavy chain 17; minus strand), DNAH17-AS1 (DNAH17 antisense RNA 1; plus strand). Cytogenetic location: 17q25.3.
Variant type: single nucleotide variant.
Coding change: c.7398G>A on transcript NM_173628.4 (MANE Select); coding-DNA position 7398, G replaced by A.
Protein change: p.Gly2466=; no amino-acid change (glycine 2466 retained).
Molecular consequence: synonymous variant.
Genome position (GRCh38, 1-based): chr17:78,485,635, C>T on the plus strand (G>A on the coding strand, the complement: DNAH17 is on the minus strand). VCF-style: chr17-78485635-C-T. GRCh37 (hg19) VCF-style: chr17-76481717-C-T.
Identifiers: ClinVar variation 2648361 (VCV002648361.24), dbSNP rs937398501, ClinGen allele CA294372726.